The following is an entry in ClinVar:

NM_001267550.2(TTN):c.96008T>C (p.Ile32003Thr)

Genes: TTN-AS1 (TTN antisense RNA 1; plus strand), TTN (titin; minus strand). Cytogenetic location: 2q31.2.
Variant type: single nucleotide variant.
Coding change: c.96008T>C on transcript NM_001267550.2 (MANE Select); coding-DNA position 96008, T replaced by C.
Protein change: p.Ile32003Thr; replaces isoleucine 32003 with threonine.
Molecular consequence: missense variant.
Genome position (GRCh38, 1-based): chr2:178,544,221, A>G on the plus strand (T>C on the coding strand, the complement: TTN is on the minus strand). VCF-style: chr2-178544221-A-G. GRCh37 (hg19) VCF-style: chr2-179408948-A-G.
Other names: c.91085T>C, p.Ile30362Thr (NM_001256850.1); c.68813T>C, p.Ile22938Thr (NM_003319.4); c.88304T>C, p.Ile29435Thr (NM_133378.4); c.69188T>C, p.Ile23063Thr (NM_133432.3); c.69389T>C, p.Ile23130Thr (NM_133437.4); c.96008T>C (NM_001267550.1); short protein forms I30362T, I32003T, I22938T, I23130T, I23063T, I29435T.
Identifiers: ClinVar variation 516836 (VCV000516836.9), dbSNP rs745962752, ClinGen allele CA1986840.

ClinVar aggregate classification (germline): Conflicting classifications of pathogenicity. Review status: criteria provided, conflicting classifications (1 of 4 stars). 8 submissions from 4 submitters: Uncertain significance (6); Benign (2). Last evaluated 2025-12-10.

Conditions:
Myopathy, myofibrillar, 9, with early respiratory failure (MFM9). Also called: MYOPATHY, PROXIMAL, WITH EARLY RESPIRATORY MUSCLE INVOLVEMENT; Myopathy, distal, with early respiratory failure, autosomal dominant; Hereditary myopathy with early respiratory failure; EDSTROM MYOPATHY. Identifiers: Orphanet 178464, Orphanet 34521, MedGen C1863599, MONDO:0011362, OMIM 603689.
Tibial muscular dystrophy (TMD). Also called: Udd Distal Myopathy – Tibial Muscular Dystrophy; Tibial muscular dystrophy, tardive; UDD MYOPATHY. Identifiers: Orphanet 609, MedGen C1838244, MONDO:0010870, OMIM 600334.
Early-onset myopathy with fatal cardiomyopathy (CMYO5). Also called: Salih Myopathy; CONGENITAL MYOPATHY 5 WITH CARDIOMYOPATHY. Identifiers: Orphanet 289377, MedGen C2673677, MONDO:0012714, OMIM 611705. Disease mechanism: loss of function.
Autosomal recessive limb-girdle muscular dystrophy type 2J (LGMDR10). Also called: MUSCULAR DYSTROPHY, LIMB-GIRDLE, AUTOSOMAL RECESSIVE 10; Limb-girdle muscular dystrophy, type 2J. Identifiers: Orphanet 140922, MedGen C1837342, MONDO:0012127, OMIM 608807.
Dilated cardiomyopathy 1G (CMD1G). Identifiers: Orphanet 154, MedGen C1858763, MONDO:0011400, OMIM 604145.

Allele frequency attached by ClinVar (database versions not stated): gnomAD exomes 0.00001; TOPMed 0.00001; ExAC 0.00002; gnomAD 0.00002 and 0.00003.
gnomAD v4.1: 43 of 1,613,120 alleles (0.0027%); highest among the groups gnomAD compares: East Asian, 0.074%; no homozygotes.

Submissions (8):

GeneDx
Classification: Uncertain significance. Last evaluated: 2025-12-10. Review status: criteria provided, single submitter. Criteria: GeneDx Variant Classification Process June 2021. Collection method: clinical testing. Allele origin: germline. Affected: yes.
Comment: Not observed at significant frequency in large population cohorts (gnomAD); Missense variant in a gene in which most reported pathogenic variants are truncating/loss of function; Has not been previously published as pathogenic or benign to our knowledge

Women's Health and Genetics/Laboratory Corporation of America, LabCorp
Classification: Uncertain significance. Last evaluated: 2023-05-16. Review status: criteria provided, single submitter. Criteria: LabCorp Variant Classification Summary - May 2015. Collection method: clinical testing. Allele origin: germline.
Comment: Variant summary: TTN c.88304T>C (p.Ile29435Thr) results in a non-conservative amino acid change located in the A-band of the encoded protein sequence. Two of four in-silico tools predict a benign effect of the variant on protein function. The variant allele was found at a frequency of 1.2e-05 in 248290 control chromosomes. The available data on variant occurrences in the general population are insufficient to allow any conclusion about variant significance. To our knowledge, no occurrence of c.88304T>C in individuals affected with Dilated Cardiomyopathy and no experimental evidence demonstrating its impact on protein function have been reported. Four clinical diagnostic laboratories have submitted clinical-significance assessments for this variant to ClinVar after 2014 without evidence for independent evaluation. Multiple laboratories reported the variant with conflicting assessments. Based on the evidence outlined above, the variant was classified as uncertain significance.

Revvity Omics, Revvity
Classification: Uncertain significance. Last evaluated: 2021-12-09. Review status: criteria provided, single submitter. Criteria: ACMG Guidelines, 2015. Collection method: clinical testing. Allele origin: germline.

Illumina Laboratory Services, Illumina
Classification: Uncertain significance for Early-onset myopathy with fatal cardiomyopathy. Last evaluated: 2018-01-12. Review status: criteria provided, single submitter. Criteria: ICSL Variant Classification Criteria 13 December 2019. Collection method: clinical testing. Allele origin: germline.

Illumina Laboratory Services, Illumina
Classification: Uncertain significance for Dilated cardiomyopathy 1G. Last evaluated: 2018-01-12. Review status: criteria provided, single submitter. Criteria: ICSL Variant Classification Criteria 13 December 2019. Collection method: clinical testing. Allele origin: germline.

Illumina Laboratory Services, Illumina
Classification: Benign for Myopathy, myofibrillar, 9, with early respiratory failure. Last evaluated: 2018-01-12. Review status: criteria provided, single submitter. Criteria: ICSL Variant Classification Criteria 13 December 2019. Collection method: clinical testing. Allele origin: germline.
Comment: This variant was observed in the ICSL laboratory as part of a predisposition screen in an ostensibly healthy population. It had not been previously curated by ICSL or reported in the Human Gene Mutation Database (HGMD: prior to June 1st, 2018), and was therefore a candidate for classification through an automated scoring system. Utilizing variant allele frequency, disease prevalence and penetrance estimates, and inheritance mode, an automated score was calculated to assess if this variant is too frequent to cause the disease. Based on the score and internal cut-off values, a variant classified as benign is not then subjected to further curation. The score for this variant resulted in a classification of benign for this disease.

Illumina Laboratory Services, Illumina
Classification: Uncertain significance for Autosomal recessive limb-girdle muscular dystrophy type 2J. Last evaluated: 2018-01-12. Review status: criteria provided, single submitter. Criteria: ICSL Variant Classification Criteria 13 December 2019. Collection method: clinical testing. Allele origin: germline.

Illumina Laboratory Services, Illumina
Classification: Benign for Tibial muscular dystrophy. Last evaluated: 2018-01-12. Review status: criteria provided, single submitter. Criteria: ICSL Variant Classification Criteria 13 December 2019. Collection method: clinical testing. Allele origin: germline.
Comment: the same text as in the submission from Illumina Laboratory Services, Illumina above.